The following is an entry in ClinVar:

ClinVar aggregate classification (germline): Likely benign. Review status: criteria provided, multiple submitters, no conflicts (2 of 4 stars). 2 submissions from 2 submitters: Likely benign (2). Last evaluated 2026-04-20.

Conditions:
GSN-related disorder. Also called: GSN-related condition.

Allele frequency attached by ClinVar (database versions not stated): 1000 Genomes Project 30x 0.00031.
gnomAD v4.1: 55 of 1,614,216 alleles (0.0034%); highest among the groups gnomAD compares: East Asian, 0.0089%; no homozygotes.

Submissions (2):

PreventionGenetics, part of Exact Sciences
Classification: Likely benign for GSN-related condition. Last evaluated: 2026-04-20. Review status: criteria provided, single submitter. Criteria: ACMG Guidelines, 2015. Collection method: clinical testing. Allele origin: germline.
Comment: This variant is classified as likely benign based on ACMG/AMP sequence variant interpretation guidelines (Richards et al. 2015 PMID: 25741868, with internal and published modifications).

Labcorp Genetics (formerly Invitae), Labcorp
Classification: Likely benign. Last evaluated: 2025-11-01. Review status: criteria provided, single submitter. Criteria: Invitae Variant Classification Sherloc (09022015). Collection method: clinical testing. Allele origin: germline.

NM_198252.3(GSN):c.75C>T (p.Phe25=)

Gene: GSN (gelsolin; plus strand). Cytogenetic location: 9q33.2.
Variant type: single nucleotide variant.
Coding change: c.75C>T on transcript NM_198252.3 (MANE Select); coding-DNA position 75, C replaced by T.
Protein change: p.Phe25=; no amino-acid change (phenylalanine 25 retained).
Molecular consequence: synonymous variant. On other transcripts: intron variant (1).
Genome position (GRCh38, 1-based): chr9:121,302,046, C>T. VCF-style: chr9-121302046-C-T. GRCh37 (hg19) VCF-style: chr9-124064324-C-T.
Other names: c.228C>T (NM_000177.4); c.228C>T, p.Phe76= (NM_000177.5); c.75C>T, p.Phe25= (NM_001127662.2, NM_001127664.2, NM_001127665.2 and 10 more transcripts); c.183C>T, p.Phe61= (NM_001127663.2); c.108C>T, p.Phe36= (NM_001127666.2, NM_001127667.2, NM_001353063.2 and 13 more transcripts); c.126C>T, p.Phe42= (NM_001258029.2); c.99C>T, p.Phe33= (NM_001258030.2); c.147C>T, p.Phe49= (NM_001353076.2); and 1 more.
Identifiers: ClinVar variation 1562703 (VCV001562703.9), dbSNP rs149415778, ClinGen allele CA5220753.